The following is an entry in ClinVar:

NM_145045.5(ODAD3):c.874C>T (p.Arg292Ter)

Gene: ODAD3 (outer dynein arm docking complex subunit 3; minus strand). Cytogenetic location: 19p13.2.
Variant type: single nucleotide variant.
Coding change: c.874C>T on transcript NM_145045.5 (MANE Select); coding-DNA position 874, C replaced by T.
Protein change: p.Arg292Ter; replaces arginine 292 with a stop codon.
Molecular consequence: nonsense.
Genome position (GRCh38, 1-based): chr19:11,426,233, G>A on the plus strand (C>T on the coding strand, the complement: ODAD3 is on the minus strand). VCF-style: chr19-11426233-G-A. GRCh37 (hg19) VCF-style: chr19-11537053-G-A.
Other names: c.712C>T, p.Arg238Ter (NM_001302453.1); c.694C>T, p.Arg232Ter (NM_001302454.2); short protein forms R232*, R238*, R292*.
Identifiers: ClinVar variation 2885350 (VCV002885350.3), dbSNP rs1308843878, ClinGen allele CA404123135.
Genomic context (GRCh38, chr19:11,426,233, plus strand): 5'-TCTTCTCCTCGGCGCGCTTCTTGCACTCACTTATGTAGCGTTCCCGCTTCTTGCGCTCTC[G>A]AACCAAGGTCTCCTCTAGGTACTGCAGCTGGTTCTGGAGGGCGGGCAGGGTAGCAGGGAG-3'

ClinVar aggregate classification (germline): Pathogenic (1 of 4 stars; one submission).

Conditions:
Primary ciliary dyskinesia 30. Also called: CILIARY DYSKINESIA, PRIMARY, 30, WITH OR WITHOUT SITUS INVERSUS. Identifiers: Orphanet 244, MedGen C4015016, MONDO:0014465, OMIM 616037.

Allele frequency attached by ClinVar (database versions not stated): TOPMed below 0.00001; gnomAD 0.00001.
gnomAD v4.1: 3 of 1,613,736 alleles (0.00019%); highest among the groups gnomAD compares: Non-Finnish European, 0.00017%; no homozygotes.

Submission:

Labcorp Genetics (formerly Invitae), Labcorp
Classification: Pathogenic for Primary ciliary dyskinesia 30. Last evaluated: 2023-03-31. Review status: criteria provided, single submitter. Criteria: Invitae Variant Classification Sherloc (09022015). Collection method: clinical testing. Allele origin: germline.
Comment: For these reasons, this variant has been classified as Pathogenic. This variant has not been reported in the literature in individuals affected with CCDC151-related conditions. This variant is present in population databases (no rsID available, gnomAD 0.0009%). This sequence change creates a premature translational stop signal (p.Arg292*) in the CCDC151 gene. It is expected to result in an absent or disrupted protein product. Loss-of-function variants in CCDC151 are known to be pathogenic (PMID: 25192045).

Literature cited by the submitters: PubMed 25192045.